The following is an entry in ClinVar:

ClinVar aggregate classification (germline): Uncertain significance (1 of 4 stars; one submission).

Submission:

Labcorp Genetics (formerly Invitae), Labcorp
Classification: Uncertain significance. Last evaluated: 2024-02-24. Review status: criteria provided, single submitter. Criteria: Invitae Variant Classification Sherloc (09022015). Collection method: clinical testing. Allele origin: germline.
Comment: This sequence change replaces alanine, which is neutral and non-polar, with proline, which is neutral and non-polar, at codon 836 of the PDE6A protein (p.Ala836Pro). This variant also falls at the last nucleotide of exon 21, which is part of the consensus splice site for this exon. This variant is not present in population databases (gnomAD no frequency). This variant has not been reported in the literature in individuals affected with PDE6A-related conditions. ClinVar contains an entry for this variant (Variation ID: 1504180). An algorithm developed to predict the effect of missense changes on protein structure and function (PolyPhen-2) suggests that this variant is likely to be disruptive. Variants that disrupt the consensus splice site are a relatively common cause of aberrant splicing (PMID: 17576681, 9536098). Algorithms developed to predict the effect of sequence changes on RNA splicing suggest that this variant may disrupt the consensus splice site. In summary, the available evidence is currently insufficient to determine the role of this variant in disease. Therefore, it has been classified as a Variant of Uncertain Significance.

Literature cited by the submitters: PubMed 17576681; PubMed 9536098.

NM_000440.3(PDE6A):c.2506G>C (p.Ala836Pro)

Gene: PDE6A (phosphodiesterase 6A; minus strand). Cytogenetic location: 5q32.
Variant type: single nucleotide variant.
Coding change: c.2506G>C on transcript NM_000440.3 (MANE Select); coding-DNA position 2506, G replaced by C.
Protein change: p.Ala836Pro; replaces alanine 836 with proline.
Molecular consequence: missense variant.
Genome position (GRCh38, 1-based): chr5:149,863,119, C>G on the plus strand (G>C on the coding strand, the complement: PDE6A is on the minus strand). VCF-style: chr5-149863119-C-G. GRCh37 (hg19) VCF-style: chr5-149242682-C-G.
Other names: short protein forms A836P.
Identifiers: ClinVar variation 1504180 (VCV001504180.6), dbSNP rs2113494553, ClinGen allele CA361708808.